The following is an entry in ClinVar:

NM_000091.5(COL4A3):c.1114+109A>G

Genes: COL4A3 (collagen type IV alpha 3 chain; plus strand), MFF-DT (MFF divergent transcript; minus strand). Cytogenetic location: 2q36.3.
Variant type: single nucleotide variant.
Coding change: c.1114+109A>G on transcript NM_000091.5 (MANE Select); 109 bases into the intron after coding-DNA position 1114, A replaced by G.
Molecular consequence: intron variant.
Genome position (GRCh38, 1-based): chr2:227,259,986, A>G. VCF-style: chr2-227259986-A-G. GRCh37 (hg19) VCF-style: chr2-228124702-A-G.
Identifiers: ClinVar variation 1228753 (VCV001228753.6), dbSNP rs4332918, ClinGen allele CA66628989.

ClinVar aggregate classification (germline): Benign. Review status: criteria provided, multiple submitters, no conflicts (2 of 4 stars). 3 submissions from 3 submitters: Benign (3). Last evaluated 2024-07-15.

Allele frequency attached by ClinVar (database versions not stated): gnomAD exomes 0.51866; gnomAD 0.53228 and 0.53711; TOPMed 0.53376; 1000 Genomes Project 30x 0.58026; 1000 Genomes Project 0.58227.
gnomAD v4.1: 428,735 of 821,690 alleles (52%); highest among the groups gnomAD compares: South Asian, 63%; 113,404 homozygotes.

Submissions (3):

Unidad de Genómica Garrahan, Hospital de Pediatría Garrahan
Classification: Benign. Last evaluated: 2024-07-15. Review status: criteria provided, single submitter. Criteria: ACMG Guidelines, 2015. Collection method: clinical testing. Allele origin: germline. Affected: no. Observed: 36 variant alleles.
Comment: This variant is classified as Benign based on local population frequency. This variant was detected in 39% of patients studied in a panel designed for Epileptic and Developmental Encephalopathy and Progressive Myoclonus Epilepsy. Number of patients: 36. Only high quality variants are reported.

GeneDx
Classification: Benign. Last evaluated: 2018-07-09. Review status: criteria provided, single submitter. Criteria: GeneDx Variant Classification Process June 2021. Collection method: clinical testing. Allele origin: germline. Affected: yes.

Breakthrough Genomics
Classification: Benign. Review status: criteria provided, single submitter. Criteria: ACMG Guidelines, 2015. Collection method: not provided. Allele origin: germline. Inheritance: Autosomal recessive inheritance. Affected: yes.